The following is an entry in ClinVar:

ClinVar aggregate classification (germline): Benign/Likely benign. Review status: criteria provided, multiple submitters, no conflicts (2 of 4 stars). 15 submissions from 11 submitters: Benign (10); Likely benign (3). 2 of the submissions do not count toward it. Last evaluated 2026-05-12.

Conditions:
Craniosynostosis syndrome. Also called: Craniosynostosis. Identifiers: Orphanet 1531, MedGen C0010278, MeSH D003398, MONDO:0015469, HP:0001363.
FGFR2-related craniosynostosis. Identifiers: MedGen CN231480.
Isolated Coronal Synostosis. Identifiers: MedGen CN043619.
Crouzon syndrome. Also called: Craniofacial dysostosis; CRANIOFACIAL DYSOSTOSIS, TYPE I; Craniofacial dysostosis type 1; Crouzon craniofacial dysostosis; Crouzon disease. Identifiers: Orphanet 207, MedGen C0010273, MeSH D003394, MONDO:0007405, OMIM 123500, HP:0004439.
Beare-Stevenson cutis gyrata syndrome (BSTVS). Identifiers: Orphanet 1555, MedGen C1852406, MONDO:0007412, OMIM 123790.
Saethre-Chotzen syndrome (SCS). Also called: ACROCEPHALY, SKULL ASYMMETRY, AND MILD SYNDACTYLY; ACS III; CHOTZEN SYNDROME. Identifiers: Orphanet 794, MedGen C0175699, MONDO:0007042, OMIM 101400.

Allele frequency attached by ClinVar (database versions not stated): ESP Exome Variant Server 0.00753; gnomAD 0.00759 and 0.00799; TOPMed 0.00771; 1000 Genomes Project 0.00839; 1000 Genomes Project 30x 0.00843.

Submissions (17):

Women's Health and Genetics/Laboratory Corporation of America, LabCorp
Classification: Benign. Last evaluated: 2026-05-12. Review status: criteria provided, single submitter. Criteria: LabCorp Variant Classification Summary - May 2015. Collection method: clinical testing. Allele origin: germline.

Labcorp Genetics (formerly Invitae), Labcorp
Classification: Benign for FGFR2-related craniosynostosis. Last evaluated: 2026-02-02. Review status: criteria provided, single submitter. Criteria: Invitae Variant Classification Sherloc (09022015). Collection method: clinical testing. Allele origin: germline.

Genomic Medicine Center of Excellence, King Faisal Specialist Hospital and Research Centre
Classification: Likely benign. Last evaluated: 2025-08-18. Review status: criteria provided, single submitter. Criteria: ACMG Guidelines, 2015. Collection method: clinical testing. Allele origin: germline.

ARUP Laboratories, Molecular Genetics and Genomics, ARUP Laboratories
Classification: Benign. Last evaluated: 2024-02-21. Review status: criteria provided, single submitter. Criteria: ARUP Molecular Germline Variant Investigation Process 2024. Collection method: clinical testing. Allele origin: germline.

Mayo Clinic Laboratories, Mayo Clinic
Classification: Benign. Last evaluated: 2022-03-02. Review status: criteria provided, single submitter. Criteria: ACMG Guidelines, 2015. Collection method: clinical testing. Allele origin: germline. Observed: 4 variant alleles.
Comment: BS1, BS2

GeneDx
Classification: Benign. Last evaluated: 2018-04-06. Review status: criteria provided, single submitter. Criteria: GeneDx Variant Classification (06012015). Collection method: clinical testing. Allele origin: germline. Affected: yes.
Comment: This variant is considered likely benign or benign based on one or more of the following criteria: it is a conservative change, it occurs at a poorly conserved position in the protein, it is predicted to be benign by multiple in silico algorithms, and/or has population frequency not consistent with disease.

Illumina Laboratory Services, Illumina
Classification: Benign for Crouzon syndrome. Last evaluated: 2018-01-12. Review status: criteria provided, single submitter. Criteria: ICSL Variant Classification Criteria 13 December 2019. Collection method: clinical testing. Allele origin: germline.
Comment: This variant was observed in the ICSL laboratory as part of a predisposition screen in an ostensibly healthy population. It had not been previously curated by ICSL or reported in the Human Gene Mutation Database (HGMD: prior to June 1st, 2018), and was therefore a candidate for classification through an automated scoring system. Utilizing variant allele frequency, disease prevalence and penetrance estimates, and inheritance mode, an automated score was calculated to assess if this variant is too frequent to cause the disease. Based on the score and internal cut-off values, a variant classified as benign is not then subjected to further curation. The score for this variant resulted in a classification of benign for this disease.

Illumina Laboratory Services, Illumina
Classification: Benign for Craniosynostosis. Last evaluated: 2018-01-12. Review status: criteria provided, single submitter. Criteria: ICSL Variant Classification Criteria 13 December 2019. Collection method: clinical testing. Allele origin: germline.
Comment: the same text as in the submission from Illumina Laboratory Services, Illumina above.

Illumina Laboratory Services, Illumina
Classification: Benign for Beare-Stevenson cutis gyrata syndrome. Last evaluated: 2018-01-12. Review status: criteria provided, single submitter. Criteria: ICSL Variant Classification Criteria 13 December 2019. Collection method: clinical testing. Allele origin: germline.
Comment: the same text as in the submission from Illumina Laboratory Services, Illumina above.

Illumina Laboratory Services, Illumina
Classification: Benign for Saethre-Chotzen syndrome. Last evaluated: 2018-01-12. Review status: criteria provided, single submitter. Criteria: ICSL Variant Classification Criteria 13 December 2019. Collection method: clinical testing. Allele origin: germline.
Comment: the same text as in the submission from Illumina Laboratory Services, Illumina above.

Illumina Laboratory Services, Illumina
Classification: Likely benign for Isolated coronal synostosis. Last evaluated: 2018-01-12. Review status: criteria provided, single submitter. Criteria: ICSL Variant Classification Criteria 13 December 2019. Collection method: clinical testing. Allele origin: germline.
Comment: This variant was observed in the ICSL laboratory as part of a predisposition screen in an ostensibly healthy population. It had not been previously curated by ICSL or reported in the Human Gene Mutation Database (HGMD: prior to June 1st, 2018), and was therefore a candidate for classification through an automated scoring system. Utilizing variant allele frequency, disease prevalence and penetrance estimates, and inheritance mode, an automated score was calculated to assess if this variant is too frequent to cause the disease. Based on the score and internal cut-off values, a variant classified as likely benign is not then subjected to further curation. The score for this variant resulted in a classification of likely benign for this disease.

Breakthrough Genomics
Classification: Likely benign. Review status: criteria provided, single submitter. Criteria: ACMG Guidelines, 2015. Collection method: not provided. Allele origin: germline. Inheritance: Autosomal dominant inheritance. Affected: yes.

PreventionGenetics, part of Exact Sciences
Classification: Benign. Review status: criteria provided, single submitter. Criteria: ACMG Guidelines, 2015. Collection method: clinical testing. Allele origin: germline.

Clinical Genetics DNA and cytogenetics Diagnostics Lab, Erasmus MC, Erasmus Medical Center
Classification: Benign. Review status: no assertion criteria provided. Collection method: clinical testing. Allele origin: germline. Affected: yes. Study: VKGL Data-share Consensus. Not counted in ClinVar's aggregate classification.

Dr. Peter K. Rogan Lab, Western University
No classification provided (evidence only). Condition: Lung cancer. Review status: no classification provided. Collection method: in vitro. Allele origin: not applicable. Functional consequence: retained intron. Not counted in ClinVar's aggregate classification.

Dr. Peter K. Rogan Lab, Western University
No classification provided (evidence only). Condition: Uterine corpus endometrial carcinoma. Review status: no classification provided. Collection method: in vitro. Allele origin: not applicable. Functional consequence: retained intron. Not counted in ClinVar's aggregate classification.

Joint Genome Diagnostic Labs from Nijmegen and Maastricht, Radboudumc and MUMC+
Classification: Likely benign. Review status: no assertion criteria provided. Collection method: clinical testing. Allele origin: germline. Affected: yes. Study: VKGL Data-share Consensus. Not counted in ClinVar's aggregate classification.

NM_000141.5(FGFR2):c.109+10T>G

Gene: FGFR2 (fibroblast growth factor receptor 2; minus strand). Cytogenetic location: 10q26.13.
Variant type: single nucleotide variant.
Coding change: c.109+10T>G on transcript NM_000141.5 (MANE Select); 10 bases into the intron after coding-DNA position 109, T replaced by G.
Molecular consequence: intron variant.
Genome position (GRCh38, 1-based): chr10:121,593,699, A>C on the plus strand (T>G on the coding strand, the complement: FGFR2 is on the minus strand). VCF-style: chr10-121593699-A-C. GRCh37 (hg19) VCF-style: chr10-123353213-A-C.
Other names: p.?; c.109+10T>G (NM_022970.3, NM_001144914.1, NM_001144918.2 and 13 more transcripts).
Identifiers: ClinVar variation 255314 (VCV000255314.36), dbSNP rs3135722, ClinGen allele CA5721234.